The following is an entry in ClinVar:

ClinVar aggregate classification (germline): Conflicting classifications of pathogenicity. Review status: criteria provided, conflicting classifications (1 of 4 stars). 6 submissions from 5 submitters: Uncertain significance (1); Benign (2); Likely benign (2). 1 of the submissions does not count toward it. Last evaluated 2025-10-26.

Conditions:
SOX10-related disorder. Also called: SOX10-related condition.
Waardenburg syndrome. Also called: Waardenburg's syndrome. Identifiers: Orphanet 3440, MedGen C3266898, MONDO:0018094.
PCWH syndrome. Also called: WAARDENBURG-SHAH SYNDROME, NEUROLOGIC VARIANT. Identifiers: Orphanet 163746, MedGen C1836727, MONDO:0012198, OMIM 609136.

Allele frequency attached by ClinVar (database versions not stated): TOPMed 0.00015; gnomAD 0.00003; ExAC 0.00012; 1000 Genomes Project 30x 0.00016.
gnomAD v4.1: 61 of 1,594,206 alleles (0.0038%); highest among the groups gnomAD compares: East Asian, 0.077%; no homozygotes.

Submissions (6):

Labcorp Genetics (formerly Invitae), Labcorp
Classification: Likely benign. Last evaluated: 2025-10-26. Review status: criteria provided, single submitter. Criteria: Invitae Variant Classification Sherloc (09022015). Collection method: clinical testing. Allele origin: germline.

GeneDx
Classification: Likely benign. Last evaluated: 2020-12-28. Review status: criteria provided, single submitter. Criteria: GeneDx Variant Classification Process June 2021. Collection method: clinical testing. Allele origin: germline. Affected: yes.
Comment: This variant is associated with the following publications: (PMID: 30914325)

Illumina Laboratory Services, Illumina
Classification: Benign for Waardenburg syndrome. Last evaluated: 2017-04-28. Review status: criteria provided, single submitter. Criteria: ICSL Variant Classification Criteria 13 December 2019. Collection method: clinical testing. Allele origin: germline.
Comment: This variant was observed as part of a predisposition screen in an ostensibly healthy population. A literature search was performed for the gene, cDNA change, and amino acid change (where applicable). No publications were found based on this search. Allele frequency data from public databases was too high to be consistent with this variant causing disease. Therefore, this variant is classified as benign.

Illumina Laboratory Services, Illumina
Classification: Benign for PCWH syndrome. Last evaluated: 2017-04-28. Review status: criteria provided, single submitter. Criteria: ICSL Variant Classification Criteria 13 December 2019. Collection method: clinical testing. Allele origin: germline.
Comment: the same text as in the submission from Illumina Laboratory Services, Illumina above.

Laboratory for Molecular Medicine, Mass General Brigham Personalized Medicine
Classification: Uncertain significance. Last evaluated: 2016-05-21. Review status: criteria provided, single submitter. Criteria: LMM Criteria. Collection method: clinical testing. Allele origin: germline. Observed: 1 variant allele.
Comment: Variant classified as Uncertain Significance - Favor Benign. The p.Ala44Gly vari ant in SOX10 has not been previously reported in individuals with hearing loss o r Waardenburg syndrome. This variant has been identified in 0.2% (9/5424) of Eas t Asian chromosomes by the Exome Aggregation Consortium (dbSNP rs747377284). Computational prediction tools and conservation ana lysis suggest that the p.Ala44Gly variant may not impact the protein, though thi s information is not predictive enough to rule out pathogenicity. In summary, wh ile the clinical significance of the p.Ala44Gly variant in SOX10 is uncertain, t hese data suggest that it is more likely to be benign.

PreventionGenetics, part of Exact Sciences
Classification: Likely benign for SOX10-related condition. Last evaluated: 2023-07-28. Review status: no assertion criteria provided. Collection method: clinical testing. Allele origin: germline. Not counted in ClinVar's aggregate classification.
Comment: This variant is classified as likely benign based on ACMG/AMP sequence variant interpretation guidelines (Richards et al. 2015 PMID: 25741868, with internal and published modifications).

NM_006941.4(SOX10):c.131C>G (p.Ala44Gly)

Genes: POLR2F (RNA polymerase II, I and III subunit F; plus strand), SOX10 (SRY-box transcription factor 10; minus strand). Cytogenetic location: 22q13.1.
Variant type: single nucleotide variant.
Coding change: c.131C>G on transcript NM_006941.4 (MANE Select); coding-DNA position 131, C replaced by G.
Protein change: p.Ala44Gly; replaces alanine 44 with glycine.
Molecular consequence: missense variant. On other transcripts: intron variant (3).
Genome position (GRCh38, 1-based): chr22:37,983,654, G>C on the plus strand (C>G on the coding strand, the complement: SOX10 is on the minus strand). VCF-style: chr22-37983654-G-C. GRCh37 (hg19) VCF-style: chr22-38379661-G-C.
Other names: c.*38+11344G>C (NM_001363825.1); c.294-2500G>C (NM_001301130.2); c.293+16484G>C (NM_001301131.2); short protein forms A44G.
Identifiers: ClinVar variation 452278 (VCV000452278.20), dbSNP rs747377284, ClinGen allele CA10228723.